The following is an entry in ClinVar:

NM_000038.6(APC):c.5500G>A (p.Val1834Ile)

Gene: APC (APC regulator of Wnt signaling pathway; plus strand). Cytogenetic location: 5q22.2.
Variant type: single nucleotide variant.
Coding change: c.5500G>A on transcript NM_000038.6 (MANE Select); coding-DNA position 5500, G replaced by A.
Protein change: p.Val1834Ile; replaces valine 1834 with isoleucine.
Molecular consequence: missense variant.
Genome position (GRCh38, 1-based): chr5:112,841,094, G>A. VCF-style: chr5-112841094-G-A. GRCh37 (hg19) VCF-style: chr5-112176791-G-A.
Other names: c.5500G>A, p.Val1834Ile (NM_001127510.3, NM_001354895.2); c.5446G>A, p.Val1816Ile (NM_001127511.3); c.5554G>A, p.Val1852Ile (NM_001354896.2); c.5530G>A, p.Val1844Ile (NM_001354897.2); c.5425G>A, p.Val1809Ile (NM_001354898.2); c.5416G>A, p.Val1806Ile (NM_001354899.2); c.5377G>A, p.Val1793Ile (NM_001354900.2); c.5323G>A, p.Val1775Ile (NM_001354901.2); and 5 more; short protein forms V1816I, V1834I, V1708I, V1775I, V1809I, V1551I, V1674I, V1852I.
Identifiers: ClinVar variation 470010 (VCV000470010.23), dbSNP rs555944438, ClinGen allele CA042161.

ClinVar aggregate classification (germline): Conflicting classifications of pathogenicity. Review status: criteria provided, conflicting classifications (1 of 4 stars). 6 submissions from 6 submitters: Uncertain significance (4); Benign (1); Likely benign (1). Last evaluated 2026-01-20.

Conditions:
Hereditary cancer-predisposing syndrome. Also called: Hereditary neoplastic syndrome; Neoplastic Syndromes, Hereditary; Tumor predisposition; Hereditary Cancer Syndrome. Identifiers: Orphanet 140162, MedGen C0027672, MeSH D009386, MONDO:0015356.
Familial adenomatous polyposis 1 (FAP1). Also called: POLYPOSIS, ADENOMATOUS INTESTINAL; FAMILIAL ADENOMATOUS POLYPOSIS 1, ATTENUATED. Identifiers: MedGen C2713442, MONDO:0021056, OMIM 175100. Disease mechanism: loss of function.

Allele frequency attached by ClinVar (database versions not stated): gnomAD 0.00001; gnomAD exomes 0.00004; ExAC 0.00006; 1000 Genomes Project 0.00020.

Submissions (6):

Labcorp Genetics (formerly Invitae), Labcorp
Classification: Uncertain significance for Familial adenomatous polyposis 1. Last evaluated: 2026-01-20. Review status: criteria provided, single submitter. Criteria: Invitae Variant Classification Sherloc (09022015). Collection method: clinical testing. Allele origin: germline.
Comment: This sequence change replaces valine, which is neutral and non-polar, with isoleucine, which is neutral and non-polar, at codon 1834 of the APC protein (p.Val1834Ile). This variant is present in population databases (rs555944438, gnomAD 0.03%). This variant has not been reported in the literature in individuals affected with APC-related conditions. ClinVar contains an entry for this variant (Variation ID: 470010). Invitae Evidence Modeling of protein sequence and biophysical properties (such as structural, functional, and spatial information, amino acid conservation, physicochemical variation, residue mobility, and thermodynamic stability) indicates that this missense variant is not expected to disrupt APC protein function with a negative predictive value of 95%. In summary, the available evidence is currently insufficient to determine the role of this variant in disease. Therefore, it has been classified as a Variant of Uncertain Significance.

Myriad Genetics, Inc.
Classification: Likely benign for Familial adenomatous polyposis 1. Last evaluated: 2025-01-29. Review status: criteria provided, single submitter. Criteria: Myriad Autosomal Dominant, Autosomal Recessive and X-Linked Classification Criteria (2023). Collection method: clinical testing. Allele origin: unknown.
Comment: This variant is considered likely benign. This variant has been observed at a population frequency that is significantly greater than expected given the associated disease prevalence and penetrance.

Color Diagnostics, LLC DBA Color Health
Classification: Uncertain significance for Hereditary cancer-predisposing syndrome. Last evaluated: 2024-03-06. Review status: criteria provided, single submitter. Criteria: ACMG Guidelines, 2015. Collection method: clinical testing. Allele origin: germline.
Comment: This missense variant replaces valine with isoleucine at codon 1834 of the APC protein. Computational prediction suggests that this variant may not impact protein structure and function (internally defined REVEL score threshold <= 0.5, PMID: 27666373). To our knowledge, functional studies have not been reported for this variant. This variant has not been reported in individuals affected with APC-related disorders in the literature. This variant has been identified in 9/250862 chromosomes in the general population by the Genome Aggregation Database (gnomAD). The available evidence is insufficient to determine the role of this variant in disease conclusively. Therefore, this variant is classified as a Variant of Uncertain Significance.

Ambry Genetics
Classification: Benign for Hereditary cancer-predisposing syndrome. Last evaluated: 2023-07-12. Review status: criteria provided, single submitter. Criteria: Ambry Variant Classification Scheme 2023. Collection method: clinical testing. Allele origin: germline.

GeneDx
Classification: Uncertain significance. Last evaluated: 2019-10-11. Review status: criteria provided, single submitter. Criteria: GeneDx Variant Classification Process June 2021. Collection method: clinical testing. Allele origin: germline. Affected: yes.
Comment: In silico analysis supports that this missense variant does not alter protein structure/function; Has not been previously published as pathogenic or benign to our knowledge

PreventionGenetics, part of Exact Sciences
Classification: Uncertain significance. Last evaluated: 2017-07-06. Review status: criteria provided, single submitter. Criteria: ACMG Guidelines, 2015. Collection method: clinical testing. Allele origin: germline.